The following is an entry in ClinVar:

NM_016628.5(WAC):c.302C>G (p.Ser101Ter)

Gene: WAC (WW domain containing adaptor with coiled-coil; plus strand). Cytogenetic location: 10p12.1.
Variant type: single nucleotide variant.
Coding change: c.302C>G on transcript NM_016628.5 (MANE Select); coding-DNA position 302, C replaced by G.
Protein change: p.Ser101Ter; replaces serine 101 with a stop codon.
Molecular consequence: nonsense.
Genome position (GRCh38, 1-based): chr10:28,583,426, C>G. VCF-style: chr10-28583426-C-G. GRCh37 (hg19) VCF-style: chr10-28872355-C-G.
Other names: c.167C>G, p.Ser56Ter (NM_100264.3); c.302C>G, p.Ser101Ter (NM_100486.4); short protein forms S101*, S56*.
Identifiers: ClinVar variation 4293612 (VCV004293612.2).
Genomic context (GRCh38, chr10:28,583,426, plus strand): 5'-CTTGTAATTCACTTTGTTCTTTATTTTTTTAAGGGACCAGTTACTCTCCACAAGAAAATT[C>G]ACACAACCACAGTGCTCTTCATAGTTCAAATTCACATTCTTCTAATCCAAGCAATAACCC-3'

ClinVar aggregate classification (germline): Pathogenic/Likely pathogenic. Review status: criteria provided, multiple submitters, no conflicts (2 of 4 stars). 2 submissions from 2 submitters: Pathogenic (1); Likely pathogenic (1). Last evaluated 2025-12-24.

Conditions:
DeSanto-Shinawi syndrome due to WAC point mutation (DESSH). Also called: Facial dysmorphism-developmental delay-behavioral abnormalities syndrome due to WAC point mutation; WAC-Related Intellectual Disability; DEVELOPMENTAL DELAY, BEHAVIORAL ABNORMALITIES, FACIAL DYSMORPHISM, AND OCULAR ABNORMALITIES. Identifiers: Orphanet 284169, Orphanet 466950, MedGen C5681129, MONDO:0014741, OMIM 616708.

Submissions (2):

Victorian Clinical Genetics Services, Murdoch Childrens Research Institute
Classification: Pathogenic for DeSanto-Shinawi syndrome due to WAC point mutation. Last evaluated: 2025-12-24. Review status: criteria provided, single submitter. Criteria: ACMG Guidelines, 2015. Collection method: clinical testing. Allele origin: germline. Affected: yes.
Comment: This variant is classified as Pathogenic. Evidence in support of pathogenic classification: Variant is predicted to cause nonsense-mediated decay (NMD) and loss of protein (premature termination codon is located at least 54 nucleotides upstream of the final exon-exon junction); Variant is present in gnomAD <0.001 for a dominant condition (v4: 1 heterozygote(s), 0 homozygote(s)); This variant has limited previous evidence of pathogenicity in an unrelated individual(s). This variant has been classified as likely pathogenic by a clinical laboratory in ClinVar. - Other NMD-predicted variant(s) comparable to the one identified in this case have very strong previous evidence for pathogenicity (DECIPHER); Additional information: This variant is heterozygous; This gene is associated with autosomal dominant disease; No published evidence of segregation with disease has been identified for this variant; No published functional evidence has been identified for this variant; Loss of function is a known mechanism of disease in this gene and is associated with Desanto-Shinawi syndrome (MIM#616708).

3billion
Classification: Likely pathogenic for DeSanto-Shinawi syndrome due to WAC point mutation. Last evaluated: 2024-10-16. Review status: criteria provided, single submitter. Criteria: ACMG Guidelines, 2015. Collection method: clinical testing. Allele origin: germline. Affected: yes.
Comment: The variant is not observed in the gnomAD v4.1.0 dataset. Predicted Consequence/Location: Stop-gained (nonsense): predicted to result in a loss or disruption of normal protein function through nonsense-mediated decay (NMD) or protein truncation. Multiple pathogenic variants are reported downstream of the variant. Therefore, this variant is classified as Likely pathogenic according to the recommendation of ACMG/AMP guideline.